The following is an entry in ClinVar:

ClinVar aggregate classification (germline): Uncertain significance. Review status: criteria provided, multiple submitters, no conflicts (2 of 4 stars). 2 submissions from 2 submitters: Uncertain significance (2). Last evaluated 2021-11-06.

Conditions:
Inborn genetic diseases. Identifiers: MedGen C0950123, MeSH D030342.

Allele frequency attached by ClinVar (database versions not stated): gnomAD exomes below 0.00001; TOPMed below 0.00001; gnomAD 0.00003 and 0.00004.
gnomAD v4.1: 6 of 1,563,898 alleles (0.00038%); highest among the groups gnomAD compares: African/African-American, 0.0067%; no homozygotes.

Submissions (2):

Labcorp Genetics (formerly Invitae), Labcorp
Classification: Uncertain significance. Last evaluated: 2021-11-06. Review status: criteria provided, single submitter. Criteria: Invitae Variant Classification Sherloc (09022015). Collection method: clinical testing. Allele origin: germline.
Comment: This variant has not been reported in the literature in individuals affected with NEFH-related conditions. In summary, the available evidence is currently insufficient to determine the role of this variant in disease. Therefore, it has been classified as a Variant of Uncertain Significance. Algorithms developed to predict the effect of sequence changes on RNA splicing suggest that this variant may create or strengthen a splice site. Advanced modeling of protein sequence and biophysical properties (such as structural, functional, and spatial information, amino acid conservation, physicochemical variation, residue mobility, and thermodynamic stability) performed at Invitae indicates that this missense variant is expected to disrupt NEFH protein function. The frequency data for this variant in the population databases is considered unreliable, as metrics indicate poor data quality at this position in the gnomAD database. This sequence change replaces leucine, which is neutral and non-polar, with valine, which is neutral and non-polar, at codon 118 of the NEFH protein (p.Leu118Val).

Ambry Genetics
Classification: Uncertain significance for Inborn genetic diseases. Last evaluated: 2020-04-30. Review status: criteria provided, single submitter. Criteria: Ambry Variant Classification Scheme 2023. Collection method: clinical testing. Allele origin: germline.
Comment: The p.L118V variant (also known as c.352C>G), located in coding exon 1 of the NEFH gene, results from a C to G substitution at nucleotide position 352. The leucine at codon 118 is replaced by valine, an amino acid with highly similar properties. This amino acid position is highly conserved in available vertebrate species. In addition, this alteration is predicted to be deleterious by in silico analysis. Since supporting evidence is limited at this time, the clinical significance of this alteration remains unclear.

NM_021076.4(NEFH):c.352C>G (p.Leu118Val)

Gene: NEFH (neurofilament heavy chain; plus strand). Cytogenetic location: 22q12.2.
Variant type: single nucleotide variant.
Coding change: c.352C>G on transcript NM_021076.4 (MANE Select); coding-DNA position 352, C replaced by G.
Protein change: p.Leu118Val; replaces leucine 118 with valine.
Molecular consequence: missense variant.
Genome position (GRCh38, 1-based): chr22:29,480,614, C>G. VCF-style: chr22-29480614-C-G. GRCh37 (hg19) VCF-style: chr22-29876603-C-G.
Other names: short protein forms L118V.
Identifiers: ClinVar variation 1363573 (VCV001363573.8), dbSNP rs1214459538, ClinGen allele CA411122679.